The following is an entry in ClinVar:

NM_019032.6(ADAMTSL4):c.2237G>A (p.Arg746His)

Gene: ADAMTSL4 (ADAMTS like 4; plus strand). Cytogenetic location: 1q21.2.
Variant type: single nucleotide variant.
Coding change: c.2237G>A on transcript NM_019032.6 (MANE Select); coding-DNA position 2237, G replaced by A.
Protein change: p.Arg746His; replaces arginine 746 with histidine.
Molecular consequence: missense variant.
Genome position (GRCh38, 1-based): chr1:150,558,004, G>A. VCF-style: chr1-150558004-G-A. GRCh37 (hg19) VCF-style: chr1-150530480-G-A.
Other names: c.2120G>A, p.Arg707His (NM_001288607.2); c.2306G>A, p.Arg769His (NM_001288608.2); c.2237G>A, p.Arg746His (NM_001378596.1, NM_025008.5); short protein forms R707H, R769H, R746H.
Identifiers: ClinVar variation 1457756 (VCV001457756.8), dbSNP rs754966903, ClinGen allele CA1078593.

ClinVar aggregate classification (germline): Pathogenic. Review status: criteria provided, multiple submitters, no conflicts (2 of 4 stars). 3 submissions from 3 submitters: Pathogenic (2). 1 of the submissions does not count toward it. Last evaluated 2024-06-07.

Conditions:
Ectopia lentis et pupillae. Also called: ECTOPIA LENTIS WITH ECTOPIA OF PUPIL. Identifiers: Orphanet 1885, MedGen C1644196, MONDO:0009153, OMIM 225200.
ADAMTSL4-related disorder. Also called: ADAMTSL4-Related Disorders; ADAMTSL4-related condition.

Allele frequency attached by ClinVar (database versions not stated): TOPMed below 0.00001; gnomAD 0.00001; gnomAD exomes 0.00001 and 0.00002; ExAC 0.00002.
gnomAD v4.1: 19 of 1,612,008 alleles (0.0012%); highest among the groups gnomAD compares: South Asian, 0.0099%; no homozygotes.

Submissions (3):

Blueprint Genetics
Classification: Pathogenic for ADAMTSL4-related disorders. Last evaluated: 2024-06-07. Review status: criteria provided, single submitter. Criteria: ACMG Guidelines, 2015. Collection method: clinical testing. Allele origin: germline. Affected: yes. Observed: 5 variant alleles.

Labcorp Genetics (formerly Invitae), Labcorp
Classification: Pathogenic. Last evaluated: 2024-02-01. Review status: criteria provided, single submitter. Criteria: Invitae Variant Classification Sherloc (09022015). Collection method: clinical testing. Allele origin: germline.
Comment: This sequence change replaces arginine, which is basic and polar, with histidine, which is basic and polar, at codon 746 of the ADAMTSL4 protein (p.Arg746His). This variant is present in population databases (rs754966903, gnomAD 0.007%). This missense change has been observed in individual(s) with autosomal recessive ectopia lentis (PMID: 25975359, 28394649; Invitae). In at least one individual the data is consistent with being in trans (on the opposite chromosome) from a pathogenic variant. It has also been observed to segregate with disease in related individuals. ClinVar contains an entry for this variant (Variation ID: 1457756). Advanced modeling of protein sequence and biophysical properties (such as structural, functional, and spatial information, amino acid conservation, physicochemical variation, residue mobility, and thermodynamic stability) has been performed at Invitae for this missense variant, however the output from this modeling did not meet the statistical confidence thresholds required to predict the impact of this variant on ADAMTSL4 protein function. For these reasons, this variant has been classified as Pathogenic.

GeneReviews
No classification provided. Condition: Ectopia lentis et pupillae. Review status: no classification provided. Collection method: literature only. Allele origin: germline. Not counted in ClinVar's aggregate classification.

Literature cited by the submitters: PubMed 25975359 (cited by Labcorp Genetics (formerly Invitae), Labcorp); PubMed 28394649 (cited by Labcorp Genetics (formerly Invitae), Labcorp and GeneReviews).